The following is an entry in ClinVar:

NM_002079.3(GOT1):c.537+7G>A

Gene: GOT1 (glutamic-oxaloacetic transaminase 1; minus strand). Cytogenetic location: 10q24.2.
Variant type: single nucleotide variant.
Coding change: c.537+7G>A on transcript NM_002079.3 (MANE Select); 7 bases into the intron after coding-DNA position 537, G replaced by A.
Molecular consequence: intron variant.
Genome position (GRCh38, 1-based): chr10:99,406,130, C>T on the plus strand (G>A on the coding strand, the complement: GOT1 is on the minus strand). VCF-style: chr10-99406130-C-T. GRCh37 (hg19) VCF-style: chr10-101165887-C-T.
Identifiers: ClinVar variation 4989481 (VCV004989481.1).

ClinVar aggregate classification (germline): Likely benign (1 of 4 stars; one submission).

Conditions:
GOT1-related disorder. Also called: GOT1-related condition.

gnomAD v4.1: 41 of 1,558,374 alleles (0.0026%); highest among the groups gnomAD compares: Non-Finnish European, 0.0036%; no homozygotes.

Submission:

PreventionGenetics, part of Exact Sciences
Classification: Likely benign for GOT1-related condition. Last evaluated: 2025-03-29. Review status: criteria provided, single submitter. Criteria: ACMG Guidelines, 2015. Collection method: clinical testing. Allele origin: germline.
Comment: This variant is classified as likely benign based on ACMG/AMP sequence variant interpretation guidelines (Richards et al. 2015 PMID: 25741868, with internal and published modifications).